The following is an entry in ClinVar:

ClinVar aggregate classification (germline): not provided (0 of 4 stars; one submission).

Allele frequency attached by ClinVar (database versions not stated): gnomAD exomes below 0.00001 and 0.00001; gnomAD 0.00001; TOPMed 0.00001; ExAC 0.00002.
gnomAD v4.1: 9 of 1,614,010 alleles (0.00056%); highest among the groups gnomAD compares: South Asian, 0.0022%; no homozygotes.

Submission:

ITMI
No classification provided. Condition: AllHighlyPenetrant. Last evaluated: 2013-09-19. Review status: no classification provided. Collection method: reference population. Allele origin: germline.
Comment: Please see associated publication for description of ethnicities

Literature cited by the submitters: PubMed 24728327.

NM_014159.7(SETD2):c.5945A>G (p.Asp1982Gly)

Gene: SETD2 (SET domain containing 2, histone lysine methyltransferase; minus strand). Cytogenetic location: 3p21.31.
Variant type: single nucleotide variant.
Coding change: c.5945A>G on transcript NM_014159.7 (MANE Select); coding-DNA position 5945, A replaced by G.
Protein change: p.Asp1982Gly; replaces aspartic acid 1982 with glycine.
Molecular consequence: missense variant. On other transcripts: non-coding transcript variant (1).
Genome position (GRCh38, 1-based): chr3:47,083,835, T>C on the plus strand (A>G on the coding strand, the complement: SETD2 is on the minus strand). VCF-style: chr3-47083835-T-C. GRCh37 (hg19) VCF-style: chr3-47125325-T-C.
Other names: c.5813A>G, p.Asp1938Gly (NM_001349370.3); short protein forms D1982G, D1938G.
Identifiers: ClinVar variation 135201 (VCV000135201.1), dbSNP rs587778664, ClinGen allele CA161996.